The following is an entry in ClinVar:

ClinVar aggregate classification (germline): Benign/Likely benign. Review status: criteria provided, multiple submitters, no conflicts (2 of 4 stars). 4 submissions from 4 submitters: Benign (1); Likely benign (3). Last evaluated 2025-06-30.

Conditions:
Hereditary nonpolyposis colorectal neoplasms. Identifiers: MedGen C0009405, MeSH D003123.
Lynch syndrome 5 (LYNCH5). Also called: Colorectal cancer, hereditary nonpolyposis, type 5; Hereditary non-polyposis colorectal cancer, type 5. Identifiers: Orphanet 144, MedGen C1833477, MONDO:0013710, OMIM 614350. Disease mechanism: loss of function.
Hereditary cancer-predisposing syndrome. Also called: Neoplastic Syndromes, Hereditary; Tumor predisposition; Hereditary Cancer Syndrome; Hereditary neoplastic syndrome. Identifiers: Orphanet 140162, MedGen C0027672, MeSH D009386, MONDO:0015356.

Submissions (4):

Color Diagnostics, LLC DBA Color Health
Classification: Likely benign for Hereditary cancer-predisposing syndrome. Last evaluated: 2025-06-30. Review status: criteria provided, single submitter. Criteria: ACMG Guidelines, 2015. Collection method: clinical testing. Allele origin: germline.

Myriad Genetics, Inc.
Classification: Benign for Lynch syndrome 5. Last evaluated: 2024-12-30. Review status: criteria provided, single submitter. Criteria: Myriad Autosomal Dominant, Autosomal Recessive and X-Linked Classification Criteria (2023). Collection method: clinical testing. Allele origin: unknown.
Comment: This variant is considered benign. This variant is a silent/synonymous amino acid change and it is not expected to impact splicing.

Labcorp Genetics (formerly Invitae), Labcorp
Classification: Likely benign for Hereditary nonpolyposis colorectal neoplasms. Last evaluated: 2022-10-05. Review status: criteria provided, single submitter. Criteria: Invitae Variant Classification Sherloc (09022015). Collection method: clinical testing. Allele origin: germline.

Ambry Genetics
Classification: Likely benign for Hereditary cancer-predisposing syndrome. Last evaluated: 2019-12-22. Review status: criteria provided, single submitter. Criteria: Ambry Variant Classification Scheme 2023. Collection method: clinical testing. Allele origin: germline.

NM_000179.3(MSH6):c.2016A>G (p.Thr672=)

Gene: MSH6 (mutS homolog 6; plus strand). Cytogenetic location: 2p16.3.
Variant type: single nucleotide variant.
Coding change: c.2016A>G on transcript NM_000179.3 (MANE Select); coding-DNA position 2016, A replaced by G.
Protein change: p.Thr672=; no amino-acid change (threonine 672 retained).
Molecular consequence: synonymous variant. On other transcripts: non-coding transcript variant (5), intron variant (2).
Genome position (GRCh38, 1-based): chr2:47,799,999, A>G. VCF-style: chr2-47799999-A-G. GRCh37 (hg19) VCF-style: chr2-48027138-A-G.
Other names: c.1626A>G, p.Thr542= (NM_001281492.2); c.1110A>G, p.Thr370= (NM_001281493.2, NM_001281494.2, NM_001406811.1 and 6 more transcripts); c.2112A>G, p.Thr704= (NM_001406795.1, NM_001406802.1); c.2016A>G, p.Thr672= (NM_001406796.1, NM_001406798.1, NM_001406800.1 and 3 more transcripts); c.1719A>G, p.Thr573= (NM_001406797.1, NM_001406801.1, NM_001406805.1 and 10 more transcripts); c.1491A>G, p.Thr497= (NM_001406799.1, NM_001406806.1, NM_001406807.1); c.1938A>G, p.Thr646= (NM_001406804.1); c.2022A>G, p.Thr674= (NM_001406813.1); and 3 more.
Identifiers: ClinVar variation 1784467 (VCV001784467.9), dbSNP rs1338701579, ClinGen allele CA426121324.
Genomic context (GRCh38, chr2:47,799,999, plus strand): 5'-GGTGATGTTACCCCAGGTGCTTAAAGGTATGACTTCAGAGTCTGATTCCATTGGGTTGAC[A>G]CCAGGAGAGAAAAGTGAATTGGCCCTCTCTGCTCTAGGTGGTTGTGTCTTCTACCTCAAA-3'
Protein context (NP_000170.1, residues 662-682): MTSESDSIGL[Thr672=]PGEKSELALS